The following is an entry in ClinVar:

ClinVar aggregate classification (germline): Uncertain significance. Review status: criteria provided, multiple submitters, no conflicts (2 of 4 stars). 2 submissions from 2 submitters: Uncertain significance (2). Last evaluated 2025-10-14.

Conditions:
Hereditary cancer-predisposing syndrome. Also called: Neoplastic Syndromes, Hereditary; Hereditary Cancer Syndrome; Tumor predisposition; Hereditary neoplastic syndrome. Identifiers: Orphanet 140162, MedGen C0027672, MeSH D009386, MONDO:0015356.
Rhabdoid tumor predisposition syndrome 2 (RTPS2). Identifiers: Orphanet 231108, Orphanet 69077, MedGen C2750074, MONDO:0013224, OMIM 613325.

Submissions (2):

Ambry Genetics
Classification: Uncertain significance for Hereditary cancer-predisposing syndrome. Last evaluated: 2025-10-14. Review status: criteria provided, single submitter. Criteria: Ambry Variant Classification Scheme 2023. Collection method: clinical testing. Allele origin: germline.
Comment: The p.P1289L variant (also known as c.3866C>T), located in coding exon 26 of the SMARCA4 gene, results from a C to T substitution at nucleotide position 3866. The proline at codon 1289 is replaced by leucine, an amino acid with similar properties. This amino acid position is conserved. In addition, the in silico prediction for this alteration is inconclusive. Based on the available evidence, the clinical significance of this variant remains unclear.

Labcorp Genetics (formerly Invitae), Labcorp
Classification: Uncertain significance for Rhabdoid tumor predisposition syndrome 2. Last evaluated: 2021-09-10. Review status: criteria provided, single submitter. Criteria: Invitae Variant Classification Sherloc (09022015). Collection method: clinical testing. Allele origin: germline.
Comment: This variant has not been reported in the literature in individuals affected with SMARCA4-related conditions. This sequence change replaces proline with leucine at codon 1289 of the SMARCA4 protein (p.Pro1289Leu). The proline residue is moderately conserved and there is a moderate physicochemical difference between proline and leucine. This variant is not present in population databases (ExAC no frequency). In summary, the available evidence is currently insufficient to determine the role of this variant in disease. Therefore, it has been classified as a Variant of Uncertain Significance. Algorithms developed to predict the effect of missense changes on protein structure and function are either unavailable or do not agree on the potential impact of this missense change (SIFT: "Deleterious"; PolyPhen-2: "Benign"; Align-GVGD: "Class C0").

NM_003072.5(SMARCA4):c.3866C>T (p.Pro1289Leu)

Gene: SMARCA4 (SWI/SNF related BAF chromatin remodeling complex subunit ATPase 4; plus strand). Cytogenetic location: 19p13.2.
Variant type: single nucleotide variant.
Coding change: c.3866C>T on transcript NM_003072.5 (MANE Select); coding-DNA position 3866, C replaced by T.
Protein change: p.Pro1289Leu; replaces proline 1289 with leucine.
Molecular consequence: missense variant. On other transcripts: intron variant (5).
Genome position (GRCh38, 1-based): chr19:11,033,858, C>T. VCF-style: chr19-11033858-C-T. GRCh37 (hg19) VCF-style: chr19-11144534-C-T.
Other names: c.3866C>T (NM_001128849.1); c.3866C>T, p.Pro1289Leu (NM_001128844.3, NM_001128849.3, NM_001387283.1); c.3775-265C>T (NM_001128847.4, NM_001374457.1, NM_001128845.2 and 2 more transcripts); short protein forms P1289L.
Identifiers: ClinVar variation 1474236 (VCV001474236.7), dbSNP rs2146668438, ClinGen allele CA404066861.